The following is an entry in ClinVar:

NM_000059.4(BRCA2):c.9195del (p.Gln3066fs)

Gene: BRCA2 (BRCA2 DNA repair associated; plus strand). Cytogenetic location: 13q13.1.
Variant type: Deletion.
Coding change: c.9195del on transcript NM_000059.4 (MANE Select); coding-DNA position 9195, one base deleted (T; older notation c.9195delT).
Protein change: p.Gln3066fs; shifts the reading frame from glutamine 3066.
Molecular consequence: frameshift variant.
Genome position (GRCh38, 1-based): chr13:32,380,084, T deleted; the last of 3 consecutive T bases (chr13:32,380,082-32,380,084); deleting any one gives the same sequence. VCF-style (leftmost placement, unchanged base first): chr13-32380081-CT-C. GRCh37 (hg19) VCF-style: chr13-32954218-CT-C.
Other names: c.9195delT (NM_000059.4); short protein forms Q3066fs.
Identifiers: ClinVar variation 948199 (VCV000948199.9), dbSNP rs587782378, ClinGen allele CA1139663168.

ClinVar aggregate classification (germline): Pathogenic. Review status: criteria provided, multiple submitters, no conflicts (2 of 4 stars). 2 submissions from 2 submitters: Pathogenic (2). Last evaluated 2025-05-14.

Conditions:
Hereditary breast ovarian cancer syndrome. Also called: Hereditary breast and/or ovarian cancer syndrome; Hereditary breast and ovarian cancer syndrome; Hereditary breast and ovarian cancer syndrome (HBOC); Breast and ovarian cancer; BRCA1- and BRCA2-Associated Hereditary Breast and Ovarian Cancer; Hereditary breast and ovarian cancer. Identifiers: Orphanet 145, MedGen C0677776, MeSH D061325, MONDO:0003582. Disease mechanism: loss of function.

Submissions (2):

Women's Health and Genetics/Laboratory Corporation of America, LabCorp
Classification: Pathogenic for Hereditary breast ovarian cancer syndrome. Last evaluated: 2025-05-14. Review status: criteria provided, single submitter. Criteria: LabCorp Variant Classification Summary - May 2015. Collection method: clinical testing. Allele origin: germline.
Comment: Variant summary: BRCA2 c.9195delT (p.Gln3066SerfsX9) results in a premature termination codon, predicted to cause a truncation of the encoded protein or absence of the protein due to nonsense mediated decay, which are commonly known mechanisms for disease. The variant was absent in 251296 control chromosomes. To our knowledge, no occurrence of c.9195delT in individuals affected with Hereditary Breast And Ovarian Cancer Syndrome and no experimental evidence demonstrating its impact on protein function have been reported. ClinVar contains an entry for this variant (Variation ID: 948199). Based on the evidence outlined above, the variant was classified as pathogenic.

Labcorp Genetics (formerly Invitae), Labcorp
Classification: Pathogenic for Hereditary breast ovarian cancer syndrome. Last evaluated: 2019-04-17. Review status: criteria provided, single submitter. Criteria: Invitae Variant Classification Sherloc (09022015). Collection method: clinical testing. Allele origin: germline.
Comment: This sequence change creates a premature translational stop signal (p.Gln3066Serfs*9) in the BRCA2 gene. It is expected to result in an absent or disrupted protein product. This variant is not present in population databases (ExAC no frequency). This variant has not been reported in the literature in individuals with BRCA2-related conditions. Loss-of-function variants in BRCA2 are known to be pathogenic (PMID: 20104584). For these reasons, this variant has been classified as Pathogenic.

Literature cited by the submitters: PubMed 20104584 (cited by Labcorp Genetics (formerly Invitae), Labcorp).